The following is an entry in ClinVar:

ClinVar aggregate classification (germline): Likely pathogenic (1 of 4 stars; one submission).

Submission:

CeGaT Center for Human Genetics Tuebingen
Classification: Likely pathogenic. Last evaluated: 2025-01-01. Review status: criteria provided, single submitter. Criteria: CeGaT Center For Human Genetics Tuebingen Variant Classification Criteria Version 2. Collection method: clinical testing. Allele origin: germline. Affected: yes. Observed: 1 variant allele.
Comment: KIF1A: PM1, PM2, PM5:Supporting, PP2, PP3

NM_001244008.2(KIF1A):c.916T>A (p.Tyr306Asn)

Gene: KIF1A (kinesin family member 1A; minus strand). Cytogenetic location: 2q37.3.
Variant type: single nucleotide variant.
Coding change: c.916T>A on transcript NM_001244008.2 (MANE Select); coding-DNA position 916, T replaced by A.
Protein change: p.Tyr306Asn; replaces tyrosine 306 with asparagine.
Molecular consequence: missense variant.
Genome position (GRCh38, 1-based): chr2:240,775,893, A>T on the plus strand (T>A on the coding strand, the complement: KIF1A is on the minus strand). VCF-style: chr2-240775893-A-T. GRCh37 (hg19) VCF-style: chr2-241715310-A-T.
Other names: c.916T>A, p.Tyr306Asn (NM_001320705.2, NM_001330289.2, NM_001330290.2 and 20 more transcripts); short protein forms Y306N.
Identifiers: ClinVar variation 3772293 (VCV003772293.13).